The following is an entry in ClinVar:

NM_013432.5(TONSL):c.1885C>T (p.Arg629Ter)

Genes: TONSL (tonsoku like, DNA repair protein; minus strand), TONSL-AS1 (TONSL antisense RNA 1; plus strand). Cytogenetic location: 8q24.3.
Variant type: single nucleotide variant.
Coding change: c.1885C>T on transcript NM_013432.5 (MANE Select); coding-DNA position 1885, C replaced by T.
Protein change: p.Arg629Ter; replaces arginine 629 with a stop codon.
Molecular consequence: nonsense. On other transcripts: non-coding transcript variant (1).
Genome position (GRCh38, 1-based): chr8:144,436,762, G>A on the plus strand (C>T on the coding strand, the complement: TONSL is on the minus strand). VCF-style: chr8-144436762-G-A. GRCh37 (hg19) VCF-style: chr8-145662145-G-A.
Other names: short protein forms R629*.
Identifiers: ClinVar variation 1944597 (VCV001944597.5), dbSNP rs1340730123, ClinGen allele CA372660788.

ClinVar aggregate classification (germline): Pathogenic (1 of 4 stars; one submission).

gnomAD v4.1: 3 of 1,610,806 alleles (0.00019%); highest among the groups gnomAD compares: Middle Eastern, 0.017%; no homozygotes.

Submission:

Labcorp Genetics (formerly Invitae), Labcorp
Classification: Pathogenic. Last evaluated: 2022-09-23. Review status: criteria provided, single submitter. Criteria: Invitae Variant Classification Sherloc (09022015). Collection method: clinical testing. Allele origin: germline.
Comment: This sequence change creates a premature translational stop signal (p.Arg629*) in the TONSL gene. It is expected to result in an absent or disrupted protein product. Loss-of-function variants in TONSL are known to be pathogenic (PMID: 30773277). For these reasons, this variant has been classified as Pathogenic. This variant has not been reported in the literature in individuals affected with TONSL-related conditions. This variant is not present in population databases (gnomAD no frequency).

Literature cited by the submitters: PubMed 30773277.